The following is an entry in ClinVar:

NM_001370298.3(FGD4):c.846C>G (p.Asp282Glu)

Gene: FGD4 (FYVE, RhoGEF and PH domain containing 4; plus strand). Cytogenetic location: 12p11.21.
Variant type: single nucleotide variant.
Coding change: c.846C>G on transcript NM_001370298.3 (MANE Select); coding-DNA position 846, C replaced by G.
Protein change: p.Asp282Glu; replaces aspartic acid 282 with glutamic acid.
Molecular consequence: missense variant. On other transcripts: 5 prime UTR variant (2), non-coding transcript variant (1), intron variant (1).
Genome position (GRCh38, 1-based): chr12:32,582,302, C>G. VCF-style: chr12-32582302-C-G. GRCh37 (hg19) VCF-style: chr12-32735236-C-G.
Other names: p.Asp145Glu; c.690C>G, p.Asp230Glu (NM_001304481.2); c.-410C>G (NM_001304483.2); c.-717C>G (NM_001304484.2); c.156C>G, p.Asp52Glu (NM_001330373.2, NM_001330374.2, NM_001384130.1); c.846C>G, p.Asp282Glu (NM_001384126.1); c.435C>G, p.Asp145Glu (NM_001384127.1, NM_001384128.1, NM_001384131.1 and 3 more transcripts); c.49-16195C>G (NM_001370297.1); short protein forms D145E, D230E, D52E, D282E.
Identifiers: ClinVar variation 197374 (VCV000197374.24), dbSNP rs904582, ClinGen allele CA202842.

ClinVar aggregate classification (germline): Benign. Review status: criteria provided, multiple submitters, no conflicts (2 of 4 stars). 8 submissions from 8 submitters: Benign (7). 1 of the submissions does not count toward it. Last evaluated 2026-01-06.

Conditions:
FGD4-related disorder. Also called: FGD4-related condition.
Charcot-Marie-Tooth disease. Also called: Charcot-Marie-Tooth Neuropathy; Charcot-Marie-Tooth Hereditary Neuropathy. Identifiers: Orphanet 166, MedGen C0007959, MONDO:0015626.
Charcot-Marie-Tooth disease type 4. Also called: Charcot-Marie-Tooth disease, type IV; Charcot-Marie-Tooth, Type 4. Identifiers: Orphanet 64749, MedGen C4082197, MONDO:0018995.
Charcot-Marie-Tooth disease type 4H (CMT4H). Also called: CHARCOT-MARIE-TOOTH DISEASE, DEMYELINATING, TYPE 4H; CHARCOT-MARIE-TOOTH DISEASE, AUTOSOMAL RECESSIVE, TYPE 4H; CHARCOT-MARIE-TOOTH DISEASE, DEMYELINATING, AUTOSOMAL RECESSIVE, TYPE 4H; CHARCOT-MARIE-TOOTH NEUROPATHY, TYPE 4H. Identifiers: Orphanet 99954, MedGen C1836336, MONDO:0012250, OMIM 609311.

Allele frequency attached by ClinVar (database versions not stated): 1000 Genomes Project 0.00839; 1000 Genomes Project 30x 0.00937.
gnomAD v4.1: 2,312 of 1,614,028 alleles (0.14%); highest among the groups gnomAD compares: African/African-American, 2.6%; 25 homozygotes.

Submissions (8):

Labcorp Genetics (formerly Invitae), Labcorp
Classification: Benign for Charcot-Marie-Tooth disease type 4. Last evaluated: 2026-01-06. Review status: criteria provided, single submitter. Criteria: Invitae Variant Classification Sherloc (09022015). Collection method: clinical testing. Allele origin: germline.

Mayo Clinic Laboratories, Mayo Clinic
Classification: Benign. Last evaluated: 2019-12-09. Review status: criteria provided, single submitter. Criteria: ACMG Guidelines, 2015. Collection method: clinical testing. Allele origin: germline. Observed: 7 variant alleles.

Illumina Laboratory Services, Illumina
Classification: Benign for Charcot-Marie-Tooth disease type 4H. Last evaluated: 2018-01-12. Review status: criteria provided, single submitter. Criteria: ICSL Variant Classification Criteria 13 December 2019. Collection method: clinical testing. Allele origin: germline.
Comment: This variant was observed in the ICSL laboratory as part of a predisposition screen in an ostensibly healthy population. It had not been previously curated by ICSL or reported in the Human Gene Mutation Database (HGMD: prior to June 1st, 2018), and was therefore a candidate for classification through an automated scoring system. Utilizing variant allele frequency, disease prevalence and penetrance estimates, and inheritance mode, an automated score was calculated to assess if this variant is too frequent to cause the disease. Based on the score and internal cut-off values, a variant classified as benign is not then subjected to further curation. The score for this variant resulted in a classification of benign for this disease.

GeneDx
Classification: Benign. Last evaluated: 2016-12-19. Review status: criteria provided, single submitter. Criteria: GeneDx Variant Classification (06012015). Collection method: clinical testing. Allele origin: germline. Affected: yes.
Comment: This variant is considered likely benign or benign based on one or more of the following criteria: it is a conservative change, it occurs at a poorly conserved position in the protein, it is predicted to be benign by multiple in silico algorithms, and/or has population frequency not consistent with disease.

Eurofins Ntd Llc (ga)
Classification: Benign. Last evaluated: 2015-05-26. Review status: criteria provided, single submitter. Criteria: EGL Classification Definitions 2015. Collection method: clinical testing. Allele origin: germline. Observed: 1 variant allele, 1 heterozygote.

Breakthrough Genomics
Classification: Benign. Review status: criteria provided, single submitter. Criteria: ACMG Guidelines, 2015. Collection method: not provided. Allele origin: germline. Inheritance: Autosomal recessive inheritance. Affected: yes.

Molecular Genetics Laboratory, London Health Sciences Centre
Classification: Benign for Charcot-Marie-Tooth disease. Review status: criteria provided, single submitter. Criteria: ACMG Guidelines, 2015. Collection method: clinical testing. Allele origin: germline. Affected: yes.

PreventionGenetics, part of Exact Sciences
Classification: Benign for FGD4-related condition. Last evaluated: 2020-02-24. Review status: no assertion criteria provided. Collection method: clinical testing. Allele origin: germline. Not counted in ClinVar's aggregate classification.
Comment: This variant is classified as benign based on ACMG/AMP sequence variant interpretation guidelines (Richards et al. 2015 PMID: 25741868, with internal and published modifications).